The following is an entry in ClinVar:

NM_153240.5(NPHP3):c.3088C>G (p.Leu1030Val)

Genes: NPHP3 (nephrocystin 3; minus strand), NPHP3-ACAD11 (NPHP3-ACAD11 readthrough (NMD candidate); minus strand). Cytogenetic location: 3q22.1.
Variant type: single nucleotide variant.
Coding change: c.3088C>G on transcript NM_153240.5 (MANE Select); coding-DNA position 3088, C replaced by G.
Protein change: p.Leu1030Val; replaces leucine 1030 with valine.
Molecular consequence: missense variant. On other transcripts: non-coding transcript variant (1).
Genome position (GRCh38, 1-based): chr3:132,688,687, G>C on the plus strand (C>G on the coding strand, the complement: NPHP3 is on the minus strand). VCF-style: chr3-132688687-G-C. GRCh37 (hg19) VCF-style: chr3-132407531-G-C.
Other names: short protein forms L1030V.
Identifiers: ClinVar variation 2128641 (VCV002128641.4), dbSNP rs1436480432, ClinGen allele CA354579809.

ClinVar aggregate classification (germline): Uncertain significance (1 of 4 stars; one submission).

Conditions:
Nephronophthisis. Also called: Juvenile Nephronophthisis. Identifiers: Orphanet 655, MedGen C0687120, MONDO:0019005, HP:0000090.

Submission:

Labcorp Genetics (formerly Invitae), Labcorp
Classification: Uncertain significance for Nephronophthisis. Last evaluated: 2022-10-04. Review status: criteria provided, single submitter. Criteria: Invitae Variant Classification Sherloc (09022015). Collection method: clinical testing. Allele origin: germline.
Comment: This sequence change replaces leucine, which is neutral and non-polar, with valine, which is neutral and non-polar, at codon 1030 of the NPHP3 protein (p.Leu1030Val). In summary, the available evidence is currently insufficient to determine the role of this variant in disease. Therefore, it has been classified as a Variant of Uncertain Significance. Advanced modeling of protein sequence and biophysical properties (such as structural, functional, and spatial information, amino acid conservation, physicochemical variation, residue mobility, and thermodynamic stability) performed at Invitae indicates that this missense variant is not expected to disrupt NPHP3 protein function. This variant has not been reported in the literature in individuals affected with NPHP3-related conditions. This variant is not present in population databases (gnomAD no frequency).